The following is an entry in ClinVar:

ClinVar aggregate classification (germline): Benign/Likely benign. Review status: criteria provided, multiple submitters, no conflicts (2 of 4 stars). 10 submissions from 9 submitters: Benign (7); Likely benign (3). Last evaluated 2026-03-01.

Conditions:
SYNE1-related disorder. Also called: SYNE1-related disorders; SYNE1-related disease; SYNE1-related condition.
Autosomal recessive ataxia, Beauce type. Also called: ATAXIA, RECESSIVE, OF BEAUCE; Spinocerebellar ataxia, autosomal recessive 8; SYNE1-Related Autosomal Recessive Cerebellar Ataxia; SYNE1 Deficiency. Identifiers: Orphanet 88644, MedGen C1853116, MONDO:0012549, OMIM 610743.
Emery-Dreifuss muscular dystrophy 4, autosomal dominant (EDMD4). Also called: EMERY-DREIFUSS MUSCULAR DYSTROPHY 4 WITH VARIABLE FEATURES. Identifiers: Orphanet 261, MedGen C2751807, MONDO:0013071, OMIM 612998.

Allele frequency attached by ClinVar (database versions not stated): TOPMed 0.00121; ESP Exome Variant Server 0.00154; 1000 Genomes Project 30x 0.00172; 1000 Genomes Project 0.00200; gnomAD exomes 0.00255 and 0.00365; gnomAD 0.00282 and 0.00283; ExAC 0.00336.
gnomAD v4.1: 4,155 of 1,614,220 alleles (0.26%); highest among the groups gnomAD compares: South Asian, 0.38%; 31 homozygotes.

Submissions (10):

CeGaT Center for Human Genetics Tuebingen
Classification: Likely benign. Last evaluated: 2026-03-01. Review status: criteria provided, single submitter. Criteria: CeGaT Center For Human Genetics Tuebingen Variant Classification Criteria Version 2. Collection method: clinical testing. Allele origin: germline. Affected: yes. Observed: 11 variant alleles.
Comment: SYNE1: BS2

Labcorp Genetics (formerly Invitae), Labcorp
Classification: Benign for Emery-Dreifuss muscular dystrophy 4, autosomal dominant; Autosomal recessive ataxia, Beauce type. Last evaluated: 2026-01-21. Review status: criteria provided, single submitter. Criteria: Invitae Variant Classification Sherloc (09022015). Collection method: clinical testing. Allele origin: germline.

PreventionGenetics, part of Exact Sciences
Classification: Benign for SYNE1-related condition. Last evaluated: 2025-04-23. Review status: criteria provided, single submitter. Criteria: ACMG Guidelines, 2015. Collection method: clinical testing. Allele origin: germline.
Comment: This variant is classified as benign based on ACMG/AMP sequence variant interpretation guidelines (Richards et al. 2015 PMID: 25741868, with internal and published modifications).

Mayo Clinic Laboratories, Mayo Clinic
Classification: Benign. Last evaluated: 2024-11-26. Review status: criteria provided, single submitter. Criteria: ACMG Guidelines, 2015. Collection method: clinical testing. Allele origin: germline. Observed: 3 variant alleles.

GeneDx
Classification: Benign. Last evaluated: 2018-09-10. Review status: criteria provided, single submitter. Criteria: GeneDx Variant Classification Process June 2021. Collection method: clinical testing. Allele origin: germline. Affected: yes.

Athena Diagnostics
Classification: Benign. Last evaluated: 2018-03-05. Review status: criteria provided, single submitter. Criteria: Athena Diagnostics Criteria. Collection method: clinical testing. Allele origin: germline.

Illumina Laboratory Services, Illumina
Classification: Benign for Emery-Dreifuss muscular dystrophy 4, autosomal dominant. Last evaluated: 2018-01-13. Review status: criteria provided, single submitter. Criteria: ICSL Variant Classification Criteria 13 December 2019. Collection method: clinical testing. Allele origin: germline.
Comment: This variant was observed in the ICSL laboratory as part of a predisposition screen in an ostensibly healthy population. It had not been previously curated by ICSL or reported in the Human Gene Mutation Database (HGMD: prior to June 1st, 2018), and was therefore a candidate for classification through an automated scoring system. Utilizing variant allele frequency, disease prevalence and penetrance estimates, and inheritance mode, an automated score was calculated to assess if this variant is too frequent to cause the disease. Based on the score and internal cut-off values, a variant classified as benign is not then subjected to further curation. The score for this variant resulted in a classification of benign for this disease.

Illumina Laboratory Services, Illumina
Classification: Likely benign for Autosomal recessive ataxia, Beauce type. Last evaluated: 2018-01-13. Review status: criteria provided, single submitter. Criteria: ICSL Variant Classification Criteria 13 December 2019. Collection method: clinical testing. Allele origin: germline.
Comment: This variant was observed in the ICSL laboratory as part of a predisposition screen in an ostensibly healthy population. It had not been previously curated by ICSL or reported in the Human Gene Mutation Database (HGMD: prior to June 1st, 2018), and was therefore a candidate for classification through an automated scoring system. Utilizing variant allele frequency, disease prevalence and penetrance estimates, and inheritance mode, an automated score was calculated to assess if this variant is too frequent to cause the disease. Based on the score and internal cut-off values, a variant classified as likely benign is not then subjected to further curation. The score for this variant resulted in a classification of likely benign for this disease.

Eurofins Ntd Llc (ga)
Classification: Benign. Last evaluated: 2015-11-13. Review status: criteria provided, single submitter. Criteria: EGL Classification Definitions 2015. Collection method: clinical testing. Allele origin: germline. Observed: 3 variant alleles, 3 heterozygotes.

Breakthrough Genomics
Classification: Likely benign. Review status: criteria provided, single submitter. Criteria: ACMG Guidelines, 2015. Collection method: not provided. Allele origin: germline. Inheritance: Autosomal recessive inheritance. Affected: yes.

NM_182961.4(SYNE1):c.2995G>A (p.Glu999Lys)

Gene: SYNE1 (spectrin repeat containing nuclear envelope protein 1; minus strand). Cytogenetic location: 6q25.2.
Variant type: single nucleotide variant.
Coding change: c.2995G>A on transcript NM_182961.4 (MANE Select); coding-DNA position 2995, G replaced by A.
Protein change: p.Glu999Lys; replaces glutamic acid 999 with lysine.
Molecular consequence: missense variant.
Genome position (GRCh38, 1-based): chr6:152,453,618, C>T on the plus strand (G>A on the coding strand, the complement: SYNE1 is on the minus strand). VCF-style: chr6-152453618-C-T. GRCh37 (hg19) VCF-style: chr6-152774753-C-T.
Other names: p.Glu1006Lys; c.3016G>A, p.Glu1006Lys (NM_033071.5); short protein forms E1006K, E999K.
Identifiers: ClinVar variation 281136 (VCV000281136.50), dbSNP rs148346599, ClinGen allele CA4058976.
Genomic context (GRCh38, chr6:152,453,618, plus strand): 5'-ACGGTGTCTCCGTCCTGTCCTGACTCACCTTCCATTGTTTGTGGAGCTTTCGAACAGCTT[C>T]CTGCAGCCCCTGCTGCTCCTGCTCTGGAAGGATGTCGGTGAGTTCATCACAAGCTTTCAG-3'
Protein context (NP_892006.3, residues 989-1009): LPEQEQQGLQ[Glu999Lys]AVRKLHKQWK